The following is an entry in ClinVar:

ClinVar aggregate classification (germline): Uncertain significance. Review status: criteria provided, multiple submitters, no conflicts (2 of 4 stars). 2 submissions from 2 submitters: Uncertain significance (2). Last evaluated 2020-05-16.

Conditions:
Duchenne muscular dystrophy (DMD). Also called: Duchenne Muscular Dystrophy (DMD); MUSCULAR DYSTROPHY, PSEUDOHYPERTROPHIC PROGRESSIVE, DUCHENNE TYPE. Identifiers: Orphanet 98896, MedGen C0013264, MONDO:0010679, OMIM 310200.

Submissions (2):

Revvity Omics, Revvity
Classification: Uncertain significance. Last evaluated: 2020-05-16. Review status: criteria provided, single submitter. Criteria: ACMG Guidelines, 2015. Collection method: clinical testing. Allele origin: germline.

Labcorp Genetics (formerly Invitae), Labcorp
Classification: Uncertain significance for Duchenne muscular dystrophy. Last evaluated: 2020-04-06. Review status: criteria provided, single submitter. Criteria: Invitae Variant Classification Sherloc (09022015). Collection method: clinical testing. Allele origin: germline.
Comment: In summary, the available evidence is currently insufficient to determine the role of this variant in disease. Therefore, it has been classified as a Variant of Uncertain Significance. Algorithms developed to predict the effect of missense changes on protein structure and function are either unavailable or do not agree on the potential impact of this missense change (SIFT: "Deleterious"; PolyPhen-2: "Benign"; Align-GVGD: "Class C25"). This variant has not been reported in the literature in individuals with DMD-related conditions. This variant is not present in population databases (ExAC no frequency). This sequence change replaces valine with alanine at codon 1545 of the DMD protein (p.Val1545Ala). The valine residue is moderately conserved and there is a small physicochemical difference between valine and alanine.

NM_004006.3(DMD):c.4634T>C (p.Val1545Ala)

Gene: DMD (dystrophin; minus strand). Cytogenetic location: Xp21.1.
Variant type: single nucleotide variant.
Coding change: c.4634T>C on transcript NM_004006.3 (MANE Select); coding-DNA position 4634, T replaced by C.
Protein change: p.Val1545Ala; replaces valine 1545 with alanine.
Molecular consequence: missense variant.
Genome position (GRCh38, 1-based): chrX:32,386,350, A>G on the plus strand (T>C on the coding strand, the complement: DMD is on the minus strand). VCF-style: chrX-32386350-A-G. GRCh37 (hg19) VCF-style: chrX-32404467-A-G.
Other names: c.4610T>C, p.Val1537Ala (NM_000109.4); c.4622T>C, p.Val1541Ala (NM_004009.3); c.4265T>C, p.Val1422Ala (NM_004010.3); c.611T>C, p.Val204Ala (NM_004011.4); c.602T>C, p.Val201Ala (NM_004012.4); short protein forms V1422A, V1537A, V201A, V1541A, V1545A, V204A.
Identifiers: ClinVar variation 938051 (VCV000938051.12), dbSNP rs2097958214, ClinGen allele CA412662553.
Genomic context (GRCh38, chrX:32,386,350, plus strand): 5'-TGGTCTCAGCATGCACACACCTTTGCTCCCAGCTCATTATAATGCAATTTCAAAGCTGTT[A>G]CTCTTTCATCAAGTTCTTTGGGATTTTCCGTCTGCTTTTTCTGTACAATCTGACGTCCAG-3'
Protein context (NP_003997.2, residues 1535-1555): TENPKELDER[Val1545Ala]TALKLHYNEL